The following is an entry in ClinVar:

NM_006343.3(MERTK):c.62-3C>T

Gene: MERTK (MER proto-oncogene, tyrosine kinase; plus strand). Cytogenetic location: 2q13.
Variant type: single nucleotide variant.
Coding change: c.62-3C>T on transcript NM_006343.3 (MANE Select); 3 bases into the intron before coding-DNA position 62, C replaced by T.
Molecular consequence: intron variant.
Genome position (GRCh38, 1-based): chr2:111,929,117, C>T. VCF-style: chr2-111929117-C-T. GRCh37 (hg19) VCF-style: chr2-112686694-C-T.
Identifiers: ClinVar variation 2058574 (VCV002058574.4), dbSNP rs1489949866, ClinGen allele CA755205137.

ClinVar aggregate classification (germline): Uncertain significance (1 of 4 stars; one submission).

Allele frequency attached by ClinVar (database versions not stated): gnomAD exomes below 0.00001; gnomAD 0.00001; TOPMed 0.00002.
gnomAD v4.1: 3 of 1,614,078 alleles (0.00019%); highest among the groups gnomAD compares: African/African-American, 0.0013%; no homozygotes.

Submission:

Labcorp Genetics (formerly Invitae), Labcorp
Classification: Uncertain significance. Last evaluated: 2024-11-11. Review status: criteria provided, single submitter. Criteria: Invitae Variant Classification Sherloc (09022015). Collection method: clinical testing. Allele origin: germline.
Comment: This sequence change falls in intron 1 of the MERTK gene. It does not directly change the encoded amino acid sequence of the MERTK protein. It affects a nucleotide within the consensus splice site. This variant is not present in population databases (gnomAD no frequency). This variant has not been reported in the literature in individuals affected with MERTK-related conditions. ClinVar contains an entry for this variant (Variation ID: 2058574). Variants that disrupt the consensus splice site are a relatively common cause of aberrant splicing (PMID: 17576681, 9536098). Algorithms developed to predict the effect of sequence changes on RNA splicing suggest that this variant is not likely to affect RNA splicing. In summary, the available evidence is currently insufficient to determine the role of this variant in disease. Therefore, it has been classified as a Variant of Uncertain Significance.

Literature cited by the submitters: PubMed 17576681; PubMed 9536098.